The following is an entry in ClinVar:

ClinVar aggregate classification (germline): Pathogenic (1 of 4 stars; one submission).

Conditions:
Inflammatory bowel disease 28. Also called: Inflammatory bowel disease 28, early onset, autosomal recessive. Identifiers: Orphanet 238569, MedGen C2751053, MONDO:0013153, OMIM 613148.

Allele frequency attached by ClinVar (database versions not stated): ExAC 0.00002; gnomAD exomes 0.00002 and 0.00006; TOPMed 0.00002; gnomAD 0.00003 and 0.00004; ESP Exome Variant Server 0.00008.
gnomAD v4.1: 93 of 1,614,100 alleles (0.0058%); highest among the groups gnomAD compares: Non-Finnish European, 0.0076%; no homozygotes.

Submission:

Labcorp Genetics (formerly Invitae), Labcorp
Classification: Pathogenic for Inflammatory bowel disease 28. Last evaluated: 2025-11-01. Review status: criteria provided, single submitter. Criteria: Invitae Variant Classification Sherloc (09022015). Collection method: clinical testing. Allele origin: germline.
Comment: This sequence change replaces isoleucine, which is neutral and non-polar, with threonine, which is neutral and polar, at codon 169 of the IL10RA protein (p.Ile169Thr). This variant is present in population databases (rs369219156, gnomAD 0.004%). This missense change has been observed in individual(s) with early onset inflammatory bowel disease (PMID: 22549091, 24813381, 36370291; internal data). In at least one individual the data is consistent with being in trans (on the opposite chromosome) from a pathogenic variant. ClinVar contains an entry for this variant (Variation ID: 943905). Invitae Evidence Modeling of protein sequence and biophysical properties (such as structural, functional, and spatial information, amino acid conservation, physicochemical variation, residue mobility, and thermodynamic stability) has been performed for this missense variant. However, the output from this modeling did not meet the statistical confidence thresholds required to predict the impact of this variant on IL10RA protein function. Experimental studies are conflicting or provide insufficient evidence to determine the effect of this variant on IL10RA function (PMID: 36370291). For these reasons, this variant has been classified as Pathogenic.

Literature cited by the submitters: PubMed 22549091; PubMed 24813381; PubMed 36370291.

NM_001558.4(IL10RA):c.506T>C (p.Ile169Thr)

Gene: IL10RA (interleukin 10 receptor subunit alpha; plus strand). Cytogenetic location: 11q23.3.
Variant type: single nucleotide variant.
Coding change: c.506T>C on transcript NM_001558.4 (MANE Select); coding-DNA position 506, T replaced by C.
Protein change: p.Ile169Thr; replaces isoleucine 169 with threonine.
Molecular consequence: missense variant. On other transcripts: non-coding transcript variant (1).
Genome position (GRCh38, 1-based): chr11:117,993,379, T>C. VCF-style: chr11-117993379-T-C. GRCh37 (hg19) VCF-style: chr11-117864094-T-C.
Other names: short protein forms I169T.
Identifiers: ClinVar variation 943905 (VCV000943905.9), dbSNP rs369219156, ClinGen allele CA6298959.
Genomic context (GRCh38, chr11:117,993,379, plus strand): 5'-AGATGGCCCCCGCAAATGACACATATGAAAGCATCTTCAGTCACTTCCGAGAGTATGAGA[T>C]TGCCATTCGCAAGGTGCCGGGAAACTTCACGGTATGGGGTTCCCCAAGGCCCCAGGGCCA-3'
Protein context (NP_001549.2, residues 159-179): SIFSHFREYE[Ile169Thr]AIRKVPGNFT